The following is an entry in ClinVar:

ClinVar aggregate classification (germline): Benign/Likely benign. Review status: criteria provided, multiple submitters, no conflicts (2 of 4 stars). 4 submissions from 4 submitters: Benign (1); Likely benign (3). Last evaluated 2024-12-26.

Conditions:
Lynch syndrome. Identifiers: Orphanet 144, MedGen C4552100, MONDO:0005835. Disease mechanism: loss of function.
Hereditary nonpolyposis colorectal neoplasms. Identifiers: MedGen C0009405, MeSH D003123.
Hereditary cancer-predisposing syndrome. Also called: Neoplastic Syndromes, Hereditary; Tumor predisposition; Hereditary Cancer Syndrome; Hereditary neoplastic syndrome. Identifiers: Orphanet 140162, MedGen C0027672, MeSH D009386, MONDO:0015356.
Lynch syndrome 5 (LYNCH5). Also called: Colorectal cancer, hereditary nonpolyposis, type 5; Hereditary non-polyposis colorectal cancer, type 5. Identifiers: Orphanet 144, MedGen C1833477, MONDO:0013710, OMIM 614350. Disease mechanism: loss of function.

gnomAD v4.1: 3 of 1,614,166 alleles (0.00019%); highest among the groups gnomAD compares: Non-Finnish European, 0.00025%; no homozygotes.

Submissions (4):

Myriad Genetics, Inc.
Classification: Benign for Lynch syndrome 5. Last evaluated: 2024-12-26. Review status: criteria provided, single submitter. Criteria: Myriad Autosomal Dominant, Autosomal Recessive and X-Linked Classification Criteria (2023). Collection method: clinical testing. Allele origin: unknown.
Comment: This variant is considered benign. This variant is a silent/synonymous amino acid change and it is not expected to impact splicing.

Labcorp Genetics (formerly Invitae), Labcorp
Classification: Likely benign for Hereditary nonpolyposis colorectal neoplasms. Last evaluated: 2024-05-02. Review status: criteria provided, single submitter. Criteria: Invitae Variant Classification Sherloc (09022015). Collection method: clinical testing. Allele origin: germline.

All of Us Research Program, National Institutes of Health
Classification: Likely benign for Lynch syndrome. Last evaluated: 2023-10-06. Review status: criteria provided, single submitter. Criteria: ACMG Guidelines, 2015. Collection method: clinical testing. Allele origin: germline. Inheritance: Autosomal dominant inheritance. Observed: 1 variant allele, 1 heterozygote.
Comment: This study involves interpretation of variants in research participants for the purpose of population health screening. Participant phenotype was not available at the time of variant classification. Additional details can be found in publication PMID: 35346344, PMCID: PMC8962531

Ambry Genetics
Classification: Likely benign for Hereditary cancer-predisposing syndrome. Last evaluated: 2014-09-23. Review status: criteria provided, single submitter. Criteria: Ambry Variant Classification Scheme 2023. Collection method: clinical testing. Allele origin: germline.

NM_000179.3(MSH6):c.1386T>C (p.Pro462=)

Gene: MSH6 (mutS homolog 6; plus strand). Cytogenetic location: 2p16.3.
Variant type: single nucleotide variant.
Coding change: c.1386T>C on transcript NM_000179.3 (MANE Select); coding-DNA position 1386, T replaced by C.
Protein change: p.Pro462=; no amino-acid change (proline 462 retained).
Molecular consequence: synonymous variant.
Genome position (GRCh38, 1-based): chr2:47,799,369, T>C. VCF-style: chr2-47799369-T-C. GRCh37 (hg19) VCF-style: chr2-48026508-T-C.
Other names: c.996T>C, p.Pro332= (NM_001281492.2); c.480T>C, p.Pro160= (NM_001281493.2, NM_001281494.2).
Identifiers: ClinVar variation 186337 (VCV000186337.16), dbSNP rs786202869, ClinGen allele CA008560.